The following is an entry in ClinVar:

NM_001430.5(EPAS1):c.445C>T (p.Leu149Phe)

Gene: EPAS1 (endothelial PAS domain protein 1; plus strand). Cytogenetic location: 2p21.
Variant type: single nucleotide variant.
Coding change: c.445C>T on transcript NM_001430.5 (MANE Select); coding-DNA position 445, C replaced by T.
Protein change: p.Leu149Phe; replaces leucine 149 with phenylalanine.
Molecular consequence: missense variant.
Genome position (GRCh38, 1-based): chr2:46,356,799, C>T. VCF-style: chr2-46356799-C-T. GRCh37 (hg19) VCF-style: chr2-46583938-C-T.
Other names: short protein forms L149F.
Identifiers: ClinVar variation 2626663 (VCV002626663.2), dbSNP rs2546451155, ClinGen allele CA346698365.

ClinVar aggregate classification (germline): Uncertain significance (1 of 4 stars; one submission).

Conditions:
Inborn genetic diseases. Identifiers: MedGen C0950123, MeSH D030342.

Submission:

Ambry Genetics
Classification: Uncertain significance for Inborn genetic diseases. Last evaluated: 2023-08-30. Review status: criteria provided, single submitter. Criteria: Ambry Variant Classification Scheme 2023. Collection method: clinical testing. Allele origin: germline.
Comment: The p.L149F variant (also known as c.445C>T), located in coding exon 4 of the EPAS1 gene, results from a C to T substitution at nucleotide position 445. The leucine at codon 149 is replaced by phenylalanine, an amino acid with highly similar properties. This amino acid position is conserved. In addition, this alteration is predicted to be tolerated by in silico analysis. Since supporting evidence is limited at this time, the clinical significance of this alteration remains unclear.